The following is an entry in ClinVar:

ClinVar aggregate classification (germline): Uncertain significance (1 of 4 stars; one submission).

gnomAD v4.1: 1 of 1,163,232 alleles (0.000086%); highest among the groups gnomAD compares: Non-Finnish European, 0.00011%; no homozygotes.

Submission:

GeneDx
Classification: Uncertain significance. Last evaluated: 2024-01-16. Review status: criteria provided, single submitter. Criteria: GeneDx Variant Classification Process June 2021. Collection method: clinical testing. Allele origin: germline. Affected: yes.
Comment: Not observed at significant frequency in large population cohorts (gnomAD); In silico analysis supports that this missense variant does not alter protein structure/function; Has not been previously published as pathogenic or benign to our knowledge

NM_020922.5(WNK3):c.4027C>T (p.Pro1343Ser)

Gene: WNK3 (WNK lysine deficient protein kinase 3; minus strand). Cytogenetic location: Xp11.22.
Variant type: single nucleotide variant.
Coding change: c.4027C>T on transcript NM_020922.5 (MANE Select); coding-DNA position 4027, C replaced by T.
Protein change: p.Pro1343Ser; replaces proline 1343 with serine.
Molecular consequence: missense variant.
Genome position (GRCh38, 1-based): chrX:54,237,539, G>A on the plus strand (C>T on the coding strand, the complement: WNK3 is on the minus strand). VCF-style: chrX-54237539-G-A. GRCh37 (hg19) VCF-style: chrX-54263972-G-A.
Other names: c.3886C>T, p.Pro1296Ser (NM_001002838.4, NM_001395166.1); short protein forms P1296S, P1343S.
Identifiers: ClinVar variation 3367640 (VCV003367640.1).